The following is an entry in ClinVar:

ClinVar aggregate classification (germline): Uncertain significance. Review status: criteria provided, multiple submitters, no conflicts (2 of 4 stars). 2 submissions from 2 submitters: Uncertain significance (2). Last evaluated 2026-01-05.

Conditions:
Inborn genetic diseases. Identifiers: MedGen C0950123, MeSH D030342.
Fanconi anemia (FA). Also called: Fanconi's anemia. Identifiers: Orphanet 84, MedGen C0015625, MeSH D005199, MONDO:0019391.

Submissions (2):

Labcorp Genetics (formerly Invitae), Labcorp
Classification: Uncertain significance for Fanconi anemia. Last evaluated: 2026-01-05. Review status: criteria provided, single submitter. Criteria: Invitae Variant Classification Sherloc (09022015). Collection method: clinical testing. Allele origin: germline.
Comment: This sequence change replaces isoleucine, which is neutral and non-polar, with valine, which is neutral and non-polar, at codon 94 of the FANCA protein (p.Ile94Val). This variant is not present in population databases (gnomAD no frequency). This variant has not been reported in the literature in individuals affected with FANCA-related conditions. ClinVar contains an entry for this variant (Variation ID: 1941294). Invitae Evidence Modeling of protein sequence and biophysical properties (such as structural, functional, and spatial information, amino acid conservation, physicochemical variation, residue mobility, and thermodynamic stability) indicates that this missense variant is not expected to disrupt FANCA protein function with a negative predictive value of 95%. In summary, the available evidence is currently insufficient to determine the role of this variant in disease. Therefore, it has been classified as a Variant of Uncertain Significance.

Ambry Genetics
Classification: Uncertain significance for Inborn genetic diseases. Last evaluated: 2024-12-12. Review status: criteria provided, single submitter. Criteria: Ambry Variant Classification Scheme 2023. Collection method: clinical testing. Allele origin: germline.
Comment: The p.I94V variant (also known as c.280A>G), located in coding exon 3 of the FANCA gene, results from an A to G substitution at nucleotide position 280. The isoleucine at codon 94 is replaced by valine, an amino acid with highly similar properties. This amino acid position is conserved. In addition, this alteration is predicted to be tolerated by in silico analysis. Based on the available evidence, the clinical significance of this variant remains unclear.

NM_000135.4(FANCA):c.280A>G (p.Ile94Val)

Gene: FANCA (FA complementation group A; minus strand). Cytogenetic location: 16q24.3.
Variant type: single nucleotide variant.
Coding change: c.280A>G on transcript NM_000135.4 (MANE Select); coding-DNA position 280, A replaced by G.
Protein change: p.Ile94Val; replaces isoleucine 94 with valine.
Molecular consequence: missense variant.
Genome position (GRCh38, 1-based): chr16:89,814,523, T>C on the plus strand (A>G on the coding strand, the complement: FANCA is on the minus strand). VCF-style: chr16-89814523-T-C. GRCh37 (hg19) VCF-style: chr16-89880931-T-C.
Other names: c.280A>G, p.Ile94Val (NM_001018112.3, NM_001286167.3, NM_001351830.2); short protein forms I94V.
Identifiers: ClinVar variation 1941294 (VCV001941294.4), dbSNP rs2544382048, ClinGen allele CA397482420.